The following is an entry in ClinVar:

NM_001854.4(COL11A1):c.4278C>T (p.Gly1426=)

Gene: COL11A1 (collagen type XI alpha 1 chain; minus strand). Cytogenetic location: 1p21.1.
Variant type: single nucleotide variant.
Coding change: c.4278C>T on transcript NM_001854.4 (MANE Select); coding-DNA position 4278, C replaced by T.
Protein change: p.Gly1426=; no amino-acid change (glycine 1426 retained).
Molecular consequence: synonymous variant. On other transcripts: non-coding transcript variant (1).
Genome position (GRCh38, 1-based): chr1:102,898,149, G>A on the plus strand (C>T on the coding strand, the complement: COL11A1 is on the minus strand). VCF-style: chr1-102898149-G-A. GRCh37 (hg19) VCF-style: chr1-103363705-G-A.
Other names: c.4161C>T, p.Gly1387= (NM_001190709.2); c.4314C>T, p.Gly1438= (NM_080629.3); c.3930C>T, p.Gly1310= (NM_080630.4).
Identifiers: ClinVar variation 4992325 (VCV004992325.1).

ClinVar aggregate classification (germline): Likely benign (1 of 4 stars; one submission).

Conditions:
COL11A1-related disorder. Also called: COL11A1-related condition; COL11A1-related disorders.

Submission:

PreventionGenetics, part of Exact Sciences
Classification: Likely benign for COL11A1-related condition. Last evaluated: 2026-08-11. Review status: criteria provided, single submitter. Criteria: ACMG Guidelines, 2015. Collection method: clinical testing. Allele origin: germline.
Comment: This variant is classified as likely benign based on ACMG/AMP sequence variant interpretation guidelines (Richards et al. 2015 PMID: 25741868, with internal and published modifications).